The following is an entry in ClinVar:

NM_000248.4(MITF):c.28T>A (p.Tyr10Asn)

Gene: MITF (melanocyte inducing transcription factor; plus strand). Cytogenetic location: 3p13.
Variant type: single nucleotide variant.
Coding change: c.28T>A on transcript NM_000248.4 (MANE Plus Clinical); coding-DNA position 28, T replaced by A.
Protein change: p.Tyr10Asn; replaces tyrosine 10 with asparagine.
Molecular consequence: missense variant. On other transcripts: intron variant (9).
Genome position (GRCh38, 1-based): chr3:69,936,750, T>A. VCF-style: chr3-69936750-T-A. GRCh37 (hg19) VCF-style: chr3-69985901-T-A.
Other names: c.28T>A, p.Tyr10Asn (NM_001184968.2, NM_198158.3, NM_198178.3); c.304-1072T>A (NM_001354607.2); c.199-1072T>A (NM_001354608.2, NM_001184967.2); c.355-1072T>A (NM_001354604.2, NM_198159.3); c.352-1072T>A (NM_001354605.2, NM_001354606.2, NM_006722.3); c.307-1072T>A (NM_198177.3); short protein forms Y10N.
Identifiers: ClinVar variation 2951402 (VCV002951402.3), dbSNP rs2471579592, ClinGen allele CA353560217.

ClinVar aggregate classification (germline): Uncertain significance (1 of 4 stars; one submission).

Conditions:
Melanoma, cutaneous malignant, susceptibility to, 8. Also called: MELANOMA AND RENAL CELL CARCINOMA, SUSCEPTIBILITY TO; Cutaneous malignant melanoma 8. Identifiers: Orphanet 293822, MedGen C3152204, MONDO:0013759, OMIM 614456.
Tietz syndrome (TADS). Also called: ALBINISM-DEAFNESS OF TIETZ; HYPOPIGMENTATION/DEAFNESS OF TIETZ; TIETZ ALBINISM-DEAFNESS SYNDROME. Identifiers: Orphanet 42665, MedGen C0391816, MONDO:0007077, OMIM 103500.
Waardenburg syndrome type 2A (WS2A). Also called: WAARDENBURG SYNDROME WITHOUT DYSTOPIA CANTHORUM. Identifiers: Orphanet 3440, MedGen C1860339, MONDO:0008671, OMIM 193510.

Submission:

Labcorp Genetics (formerly Invitae), Labcorp
Classification: Uncertain significance for Melanoma, cutaneous malignant, susceptibility to, 8; Waardenburg syndrome type 2A; Tietz syndrome. Last evaluated: 2023-09-05. Review status: criteria provided, single submitter. Criteria: Invitae Variant Classification Sherloc (09022015). Collection method: clinical testing. Allele origin: germline.
Comment: Advanced modeling of protein sequence and biophysical properties (such as structural, functional, and spatial information, amino acid conservation, physicochemical variation, residue mobility, and thermodynamic stability) performed at Invitae indicates that this missense variant is expected to disrupt MITF protein function. This missense change has been observed in individual(s) with clinical features of Waardenburg syndrome (PMID: 23512835). This variant is not present in population databases (gnomAD no frequency). This sequence change replaces tyrosine, which is neutral and polar, with asparagine, which is neutral and polar, at codon 10 of the MITF protein (p.Tyr10Asn). In summary, the available evidence is currently insufficient to determine the role of this variant in disease. Therefore, it has been classified as a Variant of Uncertain Significance.

Literature cited by the submitters: PubMed 23512835.